The following is an entry in ClinVar:

ClinVar aggregate classification (germline): Benign. Review status: criteria provided, multiple submitters, no conflicts (2 of 4 stars). 5 submissions from 5 submitters: Benign (5). Last evaluated 2026-02-03.

Conditions:
Alpha-methylacyl-CoA racemase deficiency (AMACRD). Also called: AMACR deficiency. Identifiers: Orphanet 79095, MedGen C3280428, MONDO:0013681, OMIM 614307. Disease mechanism: loss of function.

Allele frequency attached by ClinVar (database versions not stated): gnomAD 0.02978 and 0.03193; 1000 Genomes Project 0.03195; ESP Exome Variant Server 0.03352; TOPMed 0.03407; 1000 Genomes Project 30x 0.03592.
gnomAD v4.1: 9,010 of 1,614,058 alleles (0.56%); highest among the groups gnomAD compares: African/African-American, 11%; 429 homozygotes.

Submissions (5):

Labcorp Genetics (formerly Invitae), Labcorp
Classification: Benign for Alpha-methylacyl-CoA racemase deficiency. Last evaluated: 2026-02-03. Review status: criteria provided, single submitter. Criteria: Invitae Variant Classification Sherloc (09022015). Collection method: clinical testing. Allele origin: germline.

Mayo Clinic Laboratories, Mayo Clinic
Classification: Benign. Last evaluated: 2021-04-02. Review status: criteria provided, single submitter. Criteria: ACMG Guidelines, 2015. Collection method: clinical testing. Allele origin: germline. Observed: 42 variant alleles.

Illumina Laboratory Services, Illumina
Classification: Benign for Alpha-methylacyl-CoA racemase deficiency. Last evaluated: 2018-01-13. Review status: criteria provided, single submitter. Criteria: ICSL Variant Classification Criteria 13 December 2019. Collection method: clinical testing. Allele origin: germline.
Comment: This variant was observed in the ICSL laboratory as part of a predisposition screen in an ostensibly healthy population. It had not been previously curated by ICSL or reported in the Human Gene Mutation Database (HGMD: prior to June 1st, 2018), and was therefore a candidate for classification through an automated scoring system. Utilizing variant allele frequency, disease prevalence and penetrance estimates, and inheritance mode, an automated score was calculated to assess if this variant is too frequent to cause the disease. Based on the score and internal cut-off values, a variant classified as benign is not then subjected to further curation. The score for this variant resulted in a classification of benign for this disease.

GeneDx
Classification: Benign. Last evaluated: 2016-03-24. Review status: criteria provided, single submitter. Criteria: GeneDx Variant Classification (06012015). Collection method: clinical testing. Allele origin: germline. Affected: yes.
Comment: This variant is considered likely benign or benign based on one or more of the following criteria: it is a conservative change, it occurs at a poorly conserved position in the protein, it is predicted to be benign by multiple in silico algorithms, and/or has population frequency not consistent with disease.

Breakthrough Genomics
Classification: Benign. Review status: criteria provided, single submitter. Criteria: ACMG Guidelines, 2015. Collection method: not provided. Allele origin: germline. Inheritance: Autosomal recessive inheritance. Affected: yes.

NM_014324.6(AMACR):c.353G>A (p.Arg118Gln)

Genes: AMACR (alpha-methylacyl-CoA racemase; minus strand), C1QTNF3-AMACR (C1QTNF3-AMACR readthrough (NMD candidate); minus strand). Cytogenetic location: 5p13.2.
Variant type: single nucleotide variant.
Coding change: c.353G>A on transcript NM_014324.6 (MANE Select); coding-DNA position 353, G replaced by A.
Protein change: p.Arg118Gln; replaces arginine 118 with glutamine.
Molecular consequence: missense variant. On other transcripts: non-coding transcript variant (1).
Genome position (GRCh38, 1-based): chr5:34,005,794, C>T on the plus strand (G>A on the coding strand, the complement: AMACR is on the minus strand). VCF-style: chr5-34005794-C-T. GRCh37 (hg19) VCF-style: chr5-34005899-C-T.
Other names: c.353G>A, p.Arg118Gln (NM_001167595.2, NM_203382.3); short protein forms R118Q.
Identifiers: ClinVar variation 353255 (VCV000353255.17), dbSNP rs16892150, ClinGen allele CA3226236.